The following is an entry in ClinVar:

ClinVar aggregate classification (germline): Uncertain significance. Review status: criteria provided, multiple submitters, no conflicts (2 of 4 stars). 3 submissions from 3 submitters: Uncertain significance (2). 1 of the submissions does not count toward it. Last evaluated 2023-01-17.

Conditions:
Fanconi anemia complementation group A (FANCA). Also called: Fanconi anemia, group A; FANCA-Related Fanconi Anemia. Identifiers: Orphanet 84, MedGen C3469521, MONDO:0009215, OMIM 227650.
Fanconi anemia (FA). Also called: Fanconi's anemia. Identifiers: Orphanet 84, MedGen C0015625, MeSH D005199, MONDO:0019391.

Allele frequency attached by ClinVar (database versions not stated): gnomAD exomes below 0.00001.
gnomAD v4.1: 10 of 1,613,912 alleles (0.00062%); highest among the groups gnomAD compares: African/African-American, 0.0013%; no homozygotes.

Submissions (3):

Mayo Clinic Laboratories, Mayo Clinic
Classification: Uncertain significance. Last evaluated: 2023-01-17. Review status: criteria provided, single submitter. Criteria: ACMG Guidelines, 2015. Collection method: clinical testing. Allele origin: germline. Observed: 1 variant allele.
Comment: PM2, PVS1_moderate

Labcorp Genetics (formerly Invitae), Labcorp
Classification: Uncertain significance for Fanconi anemia. Last evaluated: 2022-09-21. Review status: criteria provided, single submitter. Criteria: Invitae Variant Classification Sherloc (09022015). Collection method: clinical testing. Allele origin: germline.
Comment: This sequence change falls in intron 16 of the FANCA gene. It does not directly change the encoded amino acid sequence of the FANCA protein. It affects a nucleotide within the consensus splice site. This variant is present in population databases (no rsID available, gnomAD 0.0009%). This variant has not been reported in the literature in individuals affected with FANCA-related conditions. ClinVar contains an entry for this variant (Variation ID: 556608). Variants that disrupt the consensus splice site are a relatively common cause of aberrant splicing (PMID: 17576681, 9536098). Algorithms developed to predict the effect of sequence changes on RNA splicing suggest that this variant may create or strengthen a splice site. In summary, the available evidence is currently insufficient to determine the role of this variant in disease. Therefore, it has been classified as a Variant of Uncertain Significance.

Counsyl
Classification: Uncertain significance for Fanconi anemia complementation group A. Last evaluated: 2018-02-09. Review status: no assertion criteria provided. Collection method: clinical testing. Allele origin: unknown. Not counted in ClinVar's aggregate classification.

Literature cited by the submitters: PubMed 17576681 (cited by Labcorp Genetics (formerly Invitae), Labcorp); PubMed 9536098 (cited by Labcorp Genetics (formerly Invitae), Labcorp).

NM_000135.4(FANCA):c.1566+2C>T

Gene: FANCA (FA complementation group A; minus strand). Cytogenetic location: 16q24.3.
Variant type: single nucleotide variant.
Coding change: c.1566+2C>T on transcript NM_000135.4 (MANE Select); the canonical splice donor site of the intron after coding-DNA position 1566, C replaced by T.
Molecular consequence: splice donor variant.
Genome position (GRCh38, 1-based): chr16:89,783,005, G>A on the plus strand (C>T on the coding strand, the complement: FANCA is on the minus strand). VCF-style: chr16-89783005-G-A. GRCh37 (hg19) VCF-style: chr16-89849413-G-A.
Other names: c.1566+2C>T (NM_001286167.3).
Identifiers: ClinVar variation 556608 (VCV000556608.5), dbSNP rs1316950815, ClinGen allele CA397458041.